The following is an entry in ClinVar:

NM_000426.4(LAMA2):c.1629G>A (p.Trp543Ter)

Gene: LAMA2 (laminin subunit alpha 2; plus strand). Cytogenetic location: 6q22.33.
Variant type: single nucleotide variant.
Coding change: c.1629G>A on transcript NM_000426.4 (MANE Select); coding-DNA position 1629, G replaced by A.
Protein change: p.Trp543Ter; replaces tryptophan 543 with a stop codon.
Molecular consequence: nonsense.
Genome position (GRCh38, 1-based): chr6:129,192,700, G>A. VCF-style: chr6-129192700-G-A. GRCh37 (hg19) VCF-style: chr6-129513845-G-A.
Other names: c.1629G>A, p.Trp543Ter (NM_001079823.2); short protein forms W543*.
Identifiers: ClinVar variation 1726862 (VCV001726862.3), dbSNP rs2482776118, ClinGen allele CA365608135.
Genomic context (GRCh38, chr6:129,192,700, plus strand): 5'-ATTTTTTAAAAATTAATGATGACTGTGTGTTTTCTCTAAGATACAAGATATGAGTGGCTG[G>A]TATCTGACTGACCTTCCTGGCCGCATTCGAGTGGCTCCCCAGCAGGACGACTTGGACTCA-3'

ClinVar aggregate classification (germline): Likely pathogenic (1 of 4 stars; one submission).

Conditions:
LAMA2-related muscular dystrophy (LAMA2-RD). Also called: Laminin alpha 2-related dystrophy. Identifiers: MedGen C5679788, MONDO:0100228.

Submission:

Myriad Genetics, Inc.
Classification: Likely pathogenic for LAMA2-related muscular dystrophy. Last evaluated: 2022-01-02. Review status: criteria provided, single submitter. Criteria: Myriad Autosomal Dominant, Autosomal Recessive and X-Linked Classification Criteria (2023). Collection method: clinical testing. Allele origin: unknown.
Comment: NM_000426.3(LAMA2):c.1629G>A(W543*) is expected to be pathogenic in the context of muscular dystrophy, LAMA2-related. This variant is predicted to lead to an abnormal or absent protein product due to the creation of a premature termination codon in LAMA2, a gene where loss-of-function variants are known to be pathogenic. Please note: this variant was assessed in the context of healthy population screening.